The following is an entry in ClinVar:

NM_033004.4(NLRP1):c.2918C>T (p.Ala973Val)

Gene: NLRP1 (NLR family pyrin domain containing 1; minus strand). Cytogenetic location: 17p13.2.
Variant type: single nucleotide variant.
Coding change: c.2918C>T on transcript NM_033004.4 (MANE Select); coding-DNA position 2918, C replaced by T.
Protein change: p.Ala973Val; replaces alanine 973 with valine.
Molecular consequence: missense variant. On other transcripts: intron variant (2).
Genome position (GRCh38, 1-based): chr17:5,536,893, G>A on the plus strand (C>T on the coding strand, the complement: NLRP1 is on the minus strand). VCF-style: chr17-5536893-G-A. GRCh37 (hg19) VCF-style: chr17-5440213-G-A.
Other names: c.2918C>T, p.Ala973Val (NM_001033053.3, NM_014922.5); c.2870+2522C>T (NM_033007.4, NM_033006.4); short protein forms A973V.
Identifiers: ClinVar variation 1443372 (VCV001443372.6), dbSNP rs772441405, ClinGen allele CA8327007.

ClinVar aggregate classification (germline): Uncertain significance (1 of 4 stars; one submission).

Allele frequency attached by ClinVar (database versions not stated): ExAC 0.00001; gnomAD exomes 0.00001 and 0.00002.
gnomAD v4.1: 34 of 1,613,758 alleles (0.0021%); highest among the groups gnomAD compares: Non-Finnish European, 0.0028%; no homozygotes.

Submission:

Labcorp Genetics (formerly Invitae), Labcorp
Classification: Uncertain significance. Last evaluated: 2025-05-13. Review status: criteria provided, single submitter. Criteria: Invitae Variant Classification Sherloc (09022015). Collection method: clinical testing. Allele origin: germline.
Comment: This sequence change replaces alanine, which is neutral and non-polar, with valine, which is neutral and non-polar, at codon 973 of the NLRP1 protein (p.Ala973Val). This variant is present in population databases (rs772441405, gnomAD 0.002%). This variant has not been reported in the literature in individuals affected with NLRP1-related conditions. ClinVar contains an entry for this variant (Variation ID: 1443372). An algorithm developed to predict the effect of missense changes on protein structure and function outputs the following: PolyPhen-2: "Benign". The valine amino acid residue is found in multiple mammalian species, which suggests that this missense change does not adversely affect protein function. In summary, the available evidence is currently insufficient to determine the role of this variant in disease. Therefore, it has been classified as a Variant of Uncertain Significance.